The following is an entry in ClinVar:

ClinVar aggregate classification (germline): Uncertain significance (1 of 4 stars; one submission).

Allele frequency attached by ClinVar (database versions not stated): TOPMed 0.00004; gnomAD 0.00007.
gnomAD v4.1: 68 of 1,614,026 alleles (0.0042%); highest among the groups gnomAD compares: Admixed American, 0.0067%; no homozygotes.

Submission:

Labcorp Genetics (formerly Invitae), Labcorp
Classification: Uncertain significance. Last evaluated: 2022-05-15. Review status: criteria provided, single submitter. Criteria: Invitae Variant Classification Sherloc (09022015). Collection method: clinical testing. Allele origin: germline.
Comment: This variant has not been reported in the literature in individuals affected with KANK1-related conditions. This variant is present in population databases (rs746621303, gnomAD 0.01%). This sequence change replaces glycine, which is neutral and non-polar, with serine, which is neutral and polar, at codon 629 of the KANK1 protein (p.Gly629Ser). In summary, the available evidence is currently insufficient to determine the role of this variant in disease. Therefore, it has been classified as a Variant of Uncertain Significance. Algorithms developed to predict the effect of missense changes on protein structure and function are either unavailable or do not agree on the potential impact of this missense change (SIFT: "Tolerated"; PolyPhen-2: "Possibly Damaging"; Align-GVGD: "Class C0").

NM_015158.5(KANK1):c.1885G>A (p.Gly629Ser)

Gene: KANK1 (KN motif and ankyrin repeat domains 1; plus strand). Cytogenetic location: 9p24.3.
Variant type: single nucleotide variant.
Coding change: c.1885G>A on transcript NM_015158.5 (MANE Select); coding-DNA position 1885, G replaced by A.
Protein change: p.Gly629Ser; replaces glycine 629 with serine.
Molecular consequence: missense variant. On other transcripts: non-coding transcript variant (1).
Genome position (GRCh38, 1-based): chr9:712,651, G>A. VCF-style: chr9-712651-G-A. GRCh37 (hg19) VCF-style: chr9-712651-G-A.
Other names: c.1885G>A, p.Gly629Ser (NM_001256876.3, NM_001256877.3, NM_001354331.2 and 2 more transcripts); c.1411G>A, p.Gly471Ser (NM_001354333.2, NM_001354335.2, NM_001354336.2 and 9 more transcripts); short protein forms G471S, G629S.
Identifiers: ClinVar variation 1416932 (VCV001416932.8), dbSNP rs746621303, ClinGen allele CA4960351.